The following is an entry in ClinVar:

ClinVar aggregate classification (germline): Uncertain significance (1 of 4 stars; one submission).

Submission:

GeneDx
Classification: Uncertain significance. Last evaluated: 2025-02-20. Review status: criteria provided, single submitter. Criteria: GeneDx Variant Classification Process June 2021. Collection method: clinical testing. Allele origin: germline. Affected: yes.
Comment: Not observed at significant frequency in large population cohorts (gnomAD); In silico analysis supports that this missense variant has a deleterious effect on protein structure/function; Has not been previously published as pathogenic or benign to our knowledge

NM_021964.3(ZNF148):c.1640A>G (p.His547Arg)

Genes: ZNF148 (zinc finger protein 148; minus strand), LOC126806798 (P300/CBP strongly-dependent group 1 enhancer GRCh37_chr3:124950809-124952008; plus strand). Cytogenetic location: 3q21.2.
Variant type: single nucleotide variant.
Coding change: c.1640A>G on transcript NM_021964.3 (MANE Select); coding-DNA position 1640, A replaced by G.
Protein change: p.His547Arg; replaces histidine 547 with arginine.
Molecular consequence: missense variant.
Genome position (GRCh38, 1-based): chr3:125,233,086, T>C on the plus strand (A>G on the coding strand, the complement: ZNF148 is on the minus strand). VCF-style: chr3-125233086-T-C. GRCh37 (hg19) VCF-style: chr3-124951930-T-C.
Other names: c.1640A>G, p.His547Arg (NM_001348424.1, NM_001348425.2, NM_001348426.2 and 7 more transcripts); c.1514A>G, p.His505Arg (NM_001348434.2); short protein forms H505R, H547R.
Identifiers: ClinVar variation 4076897 (VCV004076897.1).